The following is an entry in ClinVar:

NM_144508.5(KNL1):c.1493T>A (p.Ile498Asn)

Gene: KNL1 (kinetochore scaffold 1; plus strand). Cytogenetic location: 15q15.1.
Variant type: single nucleotide variant.
Coding change: c.1493T>A on transcript NM_144508.5 (MANE Select); coding-DNA position 1493, T replaced by A.
Protein change: p.Ile498Asn; replaces isoleucine 498 with asparagine.
Molecular consequence: missense variant.
Genome position (GRCh38, 1-based): chr15:40,621,757, T>A. VCF-style: chr15-40621757-T-A. GRCh37 (hg19) VCF-style: chr15-40913955-T-A.
Other names: c.1571T>A, p.Ile524Asn (NM_170589.5); short protein forms I524N, I498N.
Identifiers: ClinVar variation 128577 (VCV000128577.15), dbSNP rs59648663, ClinGen allele CA152146.

ClinVar aggregate classification (germline): Benign. Review status: criteria provided, multiple submitters, no conflicts (2 of 4 stars). 4 submissions from 4 submitters: Benign (3). 1 of the submissions does not count toward it. Last evaluated 2019-12-31.

Conditions:
Microcephaly 4, primary, autosomal recessive. Identifiers: Orphanet 2512, MedGen C1858516, MONDO:0011437, OMIM 604321.

Allele frequency attached by ClinVar (database versions not stated): gnomAD exomes 0.00097 and 0.00230; ExAC 0.00287; gnomAD 0.00984 and 0.01046; 1000 Genomes Project 0.00998; 1000 Genomes Project 30x 0.01093; TOPMed 0.01093; ESP Exome Variant Server 0.01107.
gnomAD v4.1: 2,969 of 1,613,862 alleles (0.18%); highest among the groups gnomAD compares: African/African-American, 3.5%; 59 homozygotes.

Submissions (4):

Labcorp Genetics (formerly Invitae), Labcorp
Classification: Benign. Last evaluated: 2019-12-31. Review status: criteria provided, single submitter. Criteria: Invitae Variant Classification Sherloc (09022015). Collection method: clinical testing. Allele origin: germline.

GeneDx
Classification: Benign. Last evaluated: 2019-09-23. Review status: criteria provided, single submitter. Criteria: GeneDx Variant Classification Process June 2021. Collection method: clinical testing. Allele origin: germline. Affected: yes.

Illumina Laboratory Services, Illumina
Classification: Benign for Microcephaly 4, primary, autosomal recessive. Last evaluated: 2018-01-13. Review status: criteria provided, single submitter. Criteria: ICSL Variant Classification Criteria 13 December 2019. Collection method: clinical testing. Allele origin: germline.
Comment: This variant was observed in the ICSL laboratory as part of a predisposition screen in an ostensibly healthy population. It had not been previously curated by ICSL or reported in the Human Gene Mutation Database (HGMD: prior to June 1st, 2018), and was therefore a candidate for classification through an automated scoring system. Utilizing variant allele frequency, disease prevalence and penetrance estimates, and inheritance mode, an automated score was calculated to assess if this variant is too frequent to cause the disease. Based on the score and internal cut-off values, a variant classified as benign is not then subjected to further curation. The score for this variant resulted in a classification of benign for this disease.

Genetic Services Laboratory, University of Chicago
Classification: Likely benign for AllHighlyPenetrant. Review status: no assertion criteria provided. Collection method: clinical testing. Allele origin: germline. Inheritance: Autosomal recessive inheritance. Not counted in ClinVar's aggregate classification.
Comment: Likely benign based on allele frequency in 1000 Genomes Project or ESP global frequency and its presence in a patient with a rare or unrelated disease phenotype. NOT Sanger confirmed.